The following is an entry in ClinVar:

NM_144687.4(NLRP12):c.1394C>T (p.Ala465Val)

Gene: NLRP12 (NLR family pyrin domain containing 12; minus strand). Cytogenetic location: 19q13.42.
Variant type: single nucleotide variant.
Coding change: c.1394C>T on transcript NM_144687.4 (MANE Select); coding-DNA position 1394, C replaced by T.
Protein change: p.Ala465Val; replaces alanine 465 with valine.
Molecular consequence: missense variant.
Genome position (GRCh38, 1-based): chr19:53,810,265, G>A on the plus strand (C>T on the coding strand, the complement: NLRP12 is on the minus strand). VCF-style: chr19-53810265-G-A. GRCh37 (hg19) VCF-style: chr19-54313519-G-A.
Other names: c.1394C>T, p.Ala465Val (NM_001277126.2, NM_001277129.1); short protein forms A465V.
Identifiers: ClinVar variation 1029164 (VCV001029164.2), dbSNP rs960826983, ClinGen allele CA310068977.

ClinVar aggregate classification (germline): Uncertain significance. Review status: criteria provided, multiple submitters, no conflicts (2 of 4 stars). 2 submissions from 2 submitters: Uncertain significance (2). Last evaluated 2025-07-27.

Conditions:
Familial cold autoinflammatory syndrome 2 (FCAS2). Identifiers: Orphanet 247868, MedGen C2673198, MONDO:0012724, OMIM 611762.

Allele frequency attached by ClinVar (database versions not stated): gnomAD exomes below 0.00001 and 0.00001.
gnomAD v4.1: 10 of 1,614,044 alleles (0.00062%); highest among the groups gnomAD compares: Middle Eastern, 0.13%; no homozygotes.

Submissions (2):

Labcorp Genetics (formerly Invitae), Labcorp
Classification: Uncertain significance for Familial cold autoinflammatory syndrome 2. Last evaluated: 2025-07-27. Review status: criteria provided, single submitter. Criteria: Invitae Variant Classification Sherloc (09022015). Collection method: clinical testing. Allele origin: germline.
Comment: This sequence change replaces alanine, which is neutral and non-polar, with valine, which is neutral and non-polar, at codon 465 of the NLRP12 protein (p.Ala465Val). This variant is present in population databases (no rsID available, gnomAD 0.0009%). This variant has not been reported in the literature in individuals affected with NLRP12-related conditions. ClinVar contains an entry for this variant (Variation ID: 1029164). Invitae Evidence Modeling of protein sequence and biophysical properties (such as structural, functional, and spatial information, amino acid conservation, physicochemical variation, residue mobility, and thermodynamic stability) indicates that this missense variant is expected to disrupt NLRP12 protein function with a positive predictive value of 80%. In summary, the available evidence is currently insufficient to determine the role of this variant in disease. Therefore, it has been classified as a Variant of Uncertain Significance.

Baylor Genetics
Classification: Uncertain significance for Familial cold autoinflammatory syndrome 2. Last evaluated: 2019-12-06. Review status: criteria provided, single submitter. Criteria: ACMG Guidelines, 2015. Collection method: clinical testing. Allele origin: unknown. Affected: yes.
Comment: This variant was determined to be of uncertain significance according to ACMG Guidelines, 2015 [PMID:25741868].